The following is an entry in ClinVar:

ClinVar aggregate classification (germline): Pathogenic (1 of 4 stars; one submission).

Submission:

Labcorp Genetics (formerly Invitae), Labcorp
Classification: Pathogenic. Last evaluated: 2022-09-13. Review status: criteria provided, single submitter. Criteria: Invitae Variant Classification Sherloc (09022015). Collection method: clinical testing. Allele origin: germline.
Comment: This sequence change creates a premature translational stop signal (p.Ile500Serfs*17) in the MTTP gene. It is expected to result in an absent or disrupted protein product. Loss-of-function variants in MTTP are known to be pathogenic (PMID: 8533758, 9671739). This variant is not present in population databases (gnomAD no frequency). This variant has not been reported in the literature in individuals affected with MTTP-related conditions. For these reasons, this variant has been classified as Pathogenic.

Literature cited by the submitters: PubMed 8533758; PubMed 9671739.

NM_001386140.1(MTTP):c.1494del (p.Ile500fs)

Gene: MTTP (microsomal triglyceride transfer protein; plus strand). Cytogenetic location: 4q23.
Variant type: Deletion.
Coding change: c.1494del on transcript NM_001386140.1 (MANE Select); coding-DNA position 1494, one base deleted (G; older notation c.1494delG).
Protein change: p.Ile500fs; shifts the reading frame from isoleucine 500.
Molecular consequence: frameshift variant.
Genome position (GRCh38, 1-based): chr4:99,606,897, G deleted; the last of 3 consecutive G bases (chr4:99,606,895-99,606,897); deleting any one gives the same sequence. VCF-style (leftmost placement, unchanged base first): chr4-99606894-AG-A. GRCh37 (hg19) VCF-style: chr4-100528051-AG-A.
Other names: c.1494del, p.Ile500fs (NM_000253.4); c.1245del, p.Ile417fs (NM_001300785.2); short protein forms I500fs, I417fs.
Identifiers: ClinVar variation 2189688 (VCV002189688.4), dbSNP rs2476134985, ClinGen allele CA2580071887.